The following is an entry in ClinVar:

NM_000384.3(APOB):c.11461A>G (p.Thr3821Ala)

Gene: APOB (apolipoprotein B; minus strand). Cytogenetic location: 2p24.1.
Variant type: single nucleotide variant.
Coding change: c.11461A>G on transcript NM_000384.3 (MANE Select); coding-DNA position 11461, A replaced by G.
Protein change: p.Thr3821Ala; replaces threonine 3821 with alanine.
Molecular consequence: missense variant.
Genome position (GRCh38, 1-based): chr2:21,005,407, T>C on the plus strand (A>G on the coding strand, the complement: APOB is on the minus strand). VCF-style: chr2-21005407-T-C. GRCh37 (hg19) VCF-style: chr2-21228279-T-C.
Other names: c.11461A>G (NM_000384.2); short protein forms T3821A.
Identifiers: ClinVar variation 1175955 (VCV001175955.37), dbSNP rs777808452, ClinGen allele CA046664.

ClinVar aggregate classification (germline): Uncertain significance. Review status: criteria provided, multiple submitters, no conflicts (2 of 4 stars). 2 submissions from 2 submitters: Uncertain significance (2). Last evaluated 2023-05-26.

Conditions:
Cardiovascular phenotype. Identifiers: MedGen CN230736.

Allele frequency attached by ClinVar (database versions not stated): gnomAD exomes below 0.00001; TOPMed below 0.00001; ExAC 0.00001.
gnomAD v4.1: 3 of 1,614,078 alleles (0.00019%); highest among the groups gnomAD compares: Non-Finnish European, 0.00025%; no homozygotes.

Submissions (2):

Ambry Genetics
Classification: Uncertain significance for Cardiovascular phenotype. Last evaluated: 2023-05-26. Review status: criteria provided, single submitter. Criteria: Ambry Variant Classification Scheme 2023. Collection method: clinical testing. Allele origin: germline.
Comment: The p.T3821A variant (also known as c.11461A>G), located in coding exon 26 of the APOB gene, results from an A to G substitution at nucleotide position 11461. The threonine at codon 3821 is replaced by alanine, an amino acid with similar properties. This amino acid position is conserved. In addition, this alteration is predicted to be tolerated by in silico analysis. Since supporting evidence is limited at this time, the clinical significance of this alteration remains unclear.

CeGaT Center for Human Genetics Tuebingen
Classification: Uncertain significance. Last evaluated: 2021-04-01. Review status: criteria provided, single submitter. Criteria: CeGaT Center For Human Genetics Tuebingen Variant Classification Criteria Version 2. Collection method: clinical testing. Allele origin: germline. Affected: yes. Observed: 1 variant allele.